The following is an entry in ClinVar:

ClinVar aggregate classification (germline): Uncertain significance (1 of 4 stars; one submission).

Allele frequency attached by ClinVar (database versions not stated): gnomAD exomes below 0.00001.
gnomAD v4.1: 3 of 1,612,296 alleles (0.00019%); highest among the groups gnomAD compares: East Asian, 0.0022%; no homozygotes.

Submission:

GeneDx
Classification: Uncertain significance. Last evaluated: 2023-02-16. Review status: criteria provided, single submitter. Criteria: GeneDx Variant Classification Process June 2021. Collection method: clinical testing. Allele origin: germline. Affected: yes.
Comment: Not observed at significant frequency in large population cohorts (gnomAD); In silico analysis supports that this missense variant has a deleterious effect on protein structure/function; Has not been previously published as pathogenic or benign to our knowledge

NM_020338.4(ZMIZ1):c.1733G>A (p.Arg578His)

Gene: ZMIZ1 (zinc finger MIZ-type containing 1; plus strand). Cytogenetic location: 10q22.3.
Variant type: single nucleotide variant.
Coding change: c.1733G>A on transcript NM_020338.4 (MANE Select); coding-DNA position 1733, G replaced by A.
Protein change: p.Arg578His; replaces arginine 578 with histidine.
Molecular consequence: missense variant.
Genome position (GRCh38, 1-based): chr10:79,299,116, G>A. VCF-style: chr10-79299116-G-A. GRCh37 (hg19) VCF-style: chr10-81058873-G-A.
Other names: short protein forms R578H.
Identifiers: ClinVar variation 2576848 (VCV002576848.1), dbSNP rs2492125687, ClinGen allele CA377338275.